The following is an entry in ClinVar:

ClinVar aggregate classification (germline): Uncertain significance (1 of 4 stars; one submission).

Submission:

Labcorp Genetics (formerly Invitae), Labcorp
Classification: Uncertain significance. Last evaluated: 2024-04-24. Review status: criteria provided, single submitter. Criteria: Invitae Variant Classification Sherloc (09022015). Collection method: clinical testing. Allele origin: germline.
Comment: This sequence change replaces isoleucine, which is neutral and non-polar, with leucine, which is neutral and non-polar, at codon 157 of the FH protein (p.Ile157Leu). This variant is not present in population databases (gnomAD no frequency). This variant has not been reported in the literature in individuals affected with FH-related conditions. Advanced modeling of protein sequence and biophysical properties (such as structural, functional, and spatial information, amino acid conservation, physicochemical variation, residue mobility, and thermodynamic stability) has been performed at Invitae for this missense variant, however the output from this modeling did not meet the statistical confidence thresholds required to predict the impact of this variant on FH protein function. In summary, the available evidence is currently insufficient to determine the role of this variant in disease. Therefore, it has been classified as a Variant of Uncertain Significance.

NM_000143.4(FH):c.469A>C (p.Ile157Leu)

Gene: FH (fumarate hydratase; minus strand). Cytogenetic location: 1q43.
Variant type: single nucleotide variant.
Coding change: c.469A>C on transcript NM_000143.4 (MANE Select); coding-DNA position 469, A replaced by C.
Protein change: p.Ile157Leu; replaces isoleucine 157 with leucine.
Molecular consequence: missense variant.
Genome position (GRCh38, 1-based): chr1:241,512,053, T>G on the plus strand (A>C on the coding strand, the complement: FH is on the minus strand). VCF-style: chr1-241512053-T-G. GRCh37 (hg19) VCF-style: chr1-241675353-T-G.
Other names: short protein forms I157L.
Identifiers: ClinVar variation 3650753 (VCV003650753.2).